The following is an entry in ClinVar:

NM_005085.4(NUP214):c.5326T>C (p.Ser1776Pro)

Gene: NUP214 (nucleoporin 214; plus strand). Cytogenetic location: 9q34.13.
Variant type: single nucleotide variant.
Coding change: c.5326T>C on transcript NM_005085.4 (MANE Select); coding-DNA position 5326, T replaced by C.
Protein change: p.Ser1776Pro; replaces serine 1776 with proline.
Molecular consequence: missense variant.
Genome position (GRCh38, 1-based): chr9:131,198,820, T>C. VCF-style: chr9-131198820-T-C. GRCh37 (hg19) VCF-style: chr9-134074207-T-C.
Other names: c.5296T>C, p.Ser1766Pro (NM_001318324.2); c.1804T>C, p.Ser602Pro (NM_001318325.2); short protein forms S1766P, S1776P, S602P.
Identifiers: ClinVar variation 4687007 (VCV004687007.1).

ClinVar aggregate classification (germline): Uncertain significance (1 of 4 stars; one submission).

gnomAD v4.1: 4 of 1,614,212 alleles (0.00025%); highest among the groups gnomAD compares: Non-Finnish European, 0.00034%; no homozygotes.

Submission:

GeneDx
Classification: Uncertain significance. Last evaluated: 2025-07-21. Review status: criteria provided, single submitter. Criteria: GeneDx Variant Classification Process June 2021. Collection method: clinical testing. Allele origin: germline. Affected: yes.
Comment: Not observed at significant frequency in large population cohorts (gnomAD); In silico analysis suggests that this missense variant does not alter protein structure/function; Has not been previously published as pathogenic or benign to our knowledge